The following is an entry in ClinVar:

ClinVar aggregate classification (germline): Uncertain significance (1 of 4 stars; one submission).

Conditions:
Fanconi anemia (FA). Also called: Fanconi's anemia. Identifiers: Orphanet 84, MedGen C0015625, MeSH D005199, MONDO:0019391.

Allele frequency attached by ClinVar (database versions not stated): ExAC 0.00001; gnomAD exomes 0.00001.
gnomAD v4.1: 3 of 1,614,066 alleles (0.00019%); highest among the groups gnomAD compares: South Asian, 0.0011%; no homozygotes.

Submission:

Labcorp Genetics (formerly Invitae), Labcorp
Classification: Uncertain significance for Fanconi anemia. Last evaluated: 2020-05-20. Review status: criteria provided, single submitter. Criteria: Invitae Variant Classification Sherloc (09022015). Collection method: clinical testing. Allele origin: germline.
Comment: In summary, the available evidence is currently insufficient to determine the role of this variant in disease. Therefore, it has been classified as a Variant of Uncertain Significance. Algorithms developed to predict the effect of missense changes on protein structure and function are either unavailable or do not agree on the potential impact of this missense change (SIFT: "Tolerated"; PolyPhen-2: "Probably Damaging"; Align-GVGD: "Class C0"). This variant has not been reported in the literature in individuals with FANCF-related conditions. This variant is present in population databases (rs778953394, ExAC 0.002%). This sequence change replaces arginine with histidine at codon 39 of the FANCF protein (p.Arg39His). The arginine residue is moderately conserved and there is a small physicochemical difference between arginine and histidine.

NM_022725.4(FANCF):c.116G>A (p.Arg39His)

Gene: FANCF (FA complementation group F; minus strand). Cytogenetic location: 11p14.3.
Variant type: single nucleotide variant.
Coding change: c.116G>A on transcript NM_022725.4 (MANE Select); coding-DNA position 116, G replaced by A.
Protein change: p.Arg39His; replaces arginine 39 with histidine.
Molecular consequence: missense variant.
Genome position (GRCh38, 1-based): chr11:22,625,695, C>T on the plus strand (G>A on the coding strand, the complement: FANCF is on the minus strand). VCF-style: chr11-22625695-C-T. GRCh37 (hg19) VCF-style: chr11-22647241-C-T.
Other names: short protein forms R39H.
Identifiers: ClinVar variation 1020087 (VCV001020087.8), dbSNP rs778953394, ClinGen allele CA5924430.